The following is an entry in ClinVar:

ClinVar aggregate classification (germline): Likely benign. Review status: criteria provided, multiple submitters, no conflicts (2 of 4 stars). 3 submissions from 3 submitters: Likely benign (3). Last evaluated 2026-01-20.

Conditions:
DST-related disorder. Also called: DST-related disorders; DST-related condition.
Epidermolysis bullosa simplex 3, localized or generalized intermediate, with BP230 deficiency (EBS3). Also called: Epidermolysis bullosa simplex, autosomal recessive 2; Epidermolysis bullosa simplex due to BP230 deficiency. Identifiers: Orphanet 412181, MedGen C3809470, MONDO:0014180, OMIM 615425.
Hereditary sensory and autonomic neuropathy type 6. Also called: Neuropathy, hereditary sensory and autonomic, type VI; HSAN VI. Identifiers: Orphanet 314381, MedGen C3539003, MONDO:0013839, OMIM 614653.

Allele frequency attached by ClinVar (database versions not stated): ESP Exome Variant Server 0.00062.
gnomAD v4.1: 83 of 1,614,048 alleles (0.0051%); highest among the groups gnomAD compares: African/African-American, 0.11%; no homozygotes.

Submissions (3):

Women's Health and Genetics/Laboratory Corporation of America, LabCorp
Classification: Likely benign. Last evaluated: 2026-01-20. Review status: criteria provided, single submitter. Criteria: LabCorp Variant Classification Summary - May 2015. Collection method: clinical testing. Allele origin: germline.

Labcorp Genetics (formerly Invitae), Labcorp
Classification: Likely benign for Epidermolysis bullosa simplex 3, localized or generalized intermediate, with BP230 deficiency; Hereditary sensory and autonomic neuropathy type 6. Last evaluated: 2025-04-29. Review status: criteria provided, single submitter. Criteria: Invitae Variant Classification Sherloc (09022015). Collection method: clinical testing. Allele origin: germline.

PreventionGenetics, part of Exact Sciences
Classification: Likely benign for DST-related condition. Last evaluated: 2025-03-22. Review status: criteria provided, single submitter. Criteria: ACMG Guidelines, 2015. Collection method: clinical testing. Allele origin: germline.
Comment: This variant is classified as likely benign based on ACMG/AMP sequence variant interpretation guidelines (Richards et al. 2015 PMID: 25741868, with internal and published modifications).

NM_001723.7(DST):c.7839A>G (p.Thr2613=)

Gene: DST (dystonin; minus strand). Cytogenetic location: 6p12.1.
Variant type: single nucleotide variant.
Coding change: c.7839A>G on transcript NM_001723.7 (MANE Plus Clinical); coding-DNA position 7839, A replaced by G.
Protein change: p.Thr2613=; no amino-acid change (threonine 2613 retained).
Molecular consequence: synonymous variant. On other transcripts: intron variant (10).
Genome position (GRCh38, 1-based): chr6:56,615,628, T>C on the plus strand (A>G on the coding strand, the complement: DST is on the minus strand). VCF-style: chr6-56615628-T-C. GRCh37 (hg19) VCF-style: chr6-56480426-T-C.
Other names: c.4831-1144A>G (NM_001144769.5); c.4930-1144A>G (NM_001374722.1, NM_001374736.1); c.4957-1144A>G (NM_001374734.1); c.4417-1144A>G (NM_001144770.2); c.4297-1144A>G (NM_001374730.1, NM_001386100.1, NM_183380.4 and 1 more transcripts); c.3319-1144A>G (NM_015548.5); c.7839A>G (NM_001723.5).
Identifiers: ClinVar variation 1663320 (VCV001663320.10), dbSNP rs145110038, ClinGen allele CA3869888.